The following is an entry in ClinVar:

NM_001042492.3(NF1):c.7263del (p.Asn2421fs)

Gene: NF1 (neurofibromin 1; plus strand). Cytogenetic location: 17q11.2.
Variant type: Deletion.
Coding change: c.7263del on transcript NM_001042492.3 (MANE Select); coding-DNA position 7263, one base deleted (C; older notation c.7263delC).
Protein change: p.Asn2421fs; shifts the reading frame from asparagine 2421.
Molecular consequence: frameshift variant.
Genome position (GRCh38, 1-based): chr17:31,349,193, C deleted. VCF-style (leftmost placement, unchanged base first): chr17-31349192-AC-A. GRCh37 (hg19) VCF-style: chr17-29676210-AC-A.
Other names: c.7200delC, p.Asn2400Lysfs (NM_000267.4); c.7200delC (NM_000267.3); short protein forms N2400fs, N2421fs.
Identifiers: ClinVar variation 3907394 (VCV003907394.1).

ClinVar aggregate classification (germline): Pathogenic (1 of 4 stars; one submission).

Conditions:
Neurofibromatosis, type 1 (NF1). Also called: NEUROFIBROMATOSIS, TYPE I, SOMATIC; Peripheral type neurofibromatosis; VON RECKLINGHAUSEN DISEASE; Neurofibromatosis, type I. Identifiers: Orphanet 636, MedGen C0027831, MONDO:0018975, OMIM 162200. Disease mechanism: loss of function.

Submission:

Women's Health and Genetics/Laboratory Corporation of America, LabCorp
Classification: Pathogenic for Neurofibromatosis, type 1. Last evaluated: 2025-06-04. Review status: criteria provided, single submitter. Criteria: LabCorp Variant Classification Summary - May 2015. Collection method: clinical testing. Allele origin: germline.
Comment: Variant summary: NF1 c.7200delC (p.Asn2400LysfsX11) results in a premature termination codon, predicted to cause a truncation of the encoded protein or absence of the protein due to nonsense mediated decay, which are commonly known mechanisms for disease. The variant was absent in 250668 control chromosomes. To our knowledge, no occurrence of c.7200delC in individuals affected with Neurofibromatosis Type 1 and no experimental evidence demonstrating its impact on protein function have been reported. No submitters have cited clinical-significance assessments for this variant to ClinVar. Based on the evidence outlined above, the variant was classified as pathogenic.